The following is an entry in ClinVar:

NM_000069.3(CACNA1S):c.152+299T>C

Gene: CACNA1S (calcium voltage-gated channel subunit alpha1 S; minus strand). Cytogenetic location: 1q32.1.
Variant type: single nucleotide variant.
Coding change: c.152+299T>C on transcript NM_000069.3 (MANE Select); 299 bases into the intron after coding-DNA position 152, T replaced by C.
Molecular consequence: intron variant.
Genome position (GRCh38, 1-based): chr1:201,111,889, A>G on the plus strand (T>C on the coding strand, the complement: CACNA1S is on the minus strand). VCF-style: chr1-201111889-A-G. GRCh37 (hg19) VCF-style: chr1-201081017-A-G.
Identifiers: ClinVar variation 672599 (VCV000672599.1), dbSNP rs10920122, ClinGen allele CA36017902.
Genomic context (GRCh38, chr1:201,111,889, plus strand): 5'-GTGGTCAGTAGGCATCTCTGGTTGTCATCCAGGACTTGGGTGGCCCACTCAGGCCCAGGA[A>G]GCCCCACCAAGTCCTCCTTCTCTTCCTCTTCCTCCTCCTCCTCTTCCTCCTCCTCCCCCA-3'

ClinVar aggregate classification (germline): Benign (1 of 4 stars; one submission).

Allele frequency attached by ClinVar (database versions not stated): 1000 Genomes Project 30x 0.11290; 1000 Genomes Project 0.11302; TOPMed 0.13531; gnomAD 0.16976 and 0.16982.
gnomAD v4.1: 19,160 of 112,572 alleles (17%); highest among the groups gnomAD compares: Middle Eastern, 27%; 1,281 homozygotes.

Submission:

GeneDx
Classification: Benign. Last evaluated: 2018-06-14. Review status: criteria provided, single submitter. Criteria: GeneDx Variant Classification (06012015). Collection method: clinical testing. Allele origin: germline. Affected: yes.
Comment: This variant is considered likely benign or benign based on one or more of the following criteria: it is a conservative change, it occurs at a poorly conserved position in the protein, it is predicted to be benign by multiple in silico algorithms, and/or has population frequency not consistent with disease.